The following is an entry in ClinVar:

NM_005548.3(KARS1):c.1184A>T (p.Asn395Ile)

Gene: KARS1 (lysyl-tRNA synthetase 1; minus strand). Cytogenetic location: 16q23.1.
Variant type: single nucleotide variant.
Coding change: c.1184A>T on transcript NM_005548.3 (MANE Select); coding-DNA position 1184, A replaced by T.
Protein change: p.Asn395Ile; replaces asparagine 395 with isoleucine.
Molecular consequence: missense variant.
Genome position (GRCh38, 1-based): chr16:75,631,484, T>A on the plus strand (A>T on the coding strand, the complement: KARS1 is on the minus strand). VCF-style: chr16-75631484-T-A. GRCh37 (hg19) VCF-style: chr16-75665382-T-A.
Other names: c.1268A>T, p.Asn423Ile (NM_001130089.2); c.716A>T, p.Asn239Ile (NM_001378148.1); short protein forms N395I, N423I, N239I.
Identifiers: ClinVar variation 2042517 (VCV002042517.4), dbSNP rs780462719, ClinGen allele CA396811725.

ClinVar aggregate classification (germline): Uncertain significance (1 of 4 stars; one submission).

Submission:

Labcorp Genetics (formerly Invitae), Labcorp
Classification: Uncertain significance. Last evaluated: 2024-10-16. Review status: criteria provided, single submitter. Criteria: Invitae Variant Classification Sherloc (09022015). Collection method: clinical testing. Allele origin: germline.
Comment: This sequence change replaces asparagine, which is neutral and polar, with isoleucine, which is neutral and non-polar, at codon 423 of the KARS protein (p.Asn423Ile). This variant is not present in population databases (gnomAD no frequency). This variant has not been reported in the literature in individuals affected with KARS-related conditions. ClinVar contains an entry for this variant (Variation ID: 2042517). Invitae Evidence Modeling of protein sequence and biophysical properties (such as structural, functional, and spatial information, amino acid conservation, physicochemical variation, residue mobility, and thermodynamic stability) indicates that this missense variant is not expected to disrupt KARS protein function with a negative predictive value of 80%. In summary, the available evidence is currently insufficient to determine the role of this variant in disease. Therefore, it has been classified as a Variant of Uncertain Significance.